The following is an entry in ClinVar:

ClinVar aggregate classification (germline): Likely benign. Review status: criteria provided, multiple submitters, no conflicts (2 of 4 stars). 8 submissions from 8 submitters: Likely benign (6). 2 of the submissions do not count toward it. Last evaluated 2024-02-26.

Conditions:
Rolandic epilepsy, impaired intellectual development, and speech dyspraxia, X-linked. Also called: Rolandic epilepsy, intellectual disability, and speech dyspraxia, X-linked; Rolandic epilepsy, impaired intellectual development, and speech dyspraxia. Identifiers: MedGen C1845070, MONDO:0010388, OMIM 300643.

Allele frequency attached by ClinVar (database versions not stated): ESP Exome Variant Server 0.00009; gnomAD exomes 0.00015 and 0.00039; gnomAD 0.00021 and 0.00019; 1000 Genomes Project 30x 0.00021; 1000 Genomes Project 0.00026; TOPMed 0.00034; ExAC 0.00048.
gnomAD v4.1: 212 of 1,208,869 alleles (0.018%); highest among the groups gnomAD compares: Middle Eastern, 0.14%; no homozygotes.

Submissions (8):

Labcorp Genetics (formerly Invitae), Labcorp
Classification: Likely benign for Rolandic epilepsy, impaired intellectual development, and speech dyspraxia, X-linked. Last evaluated: 2024-02-26. Review status: criteria provided, single submitter. Criteria: Invitae Variant Classification Sherloc (09022015). Collection method: clinical testing. Allele origin: germline.

CeGaT Center for Human Genetics Tuebingen
Classification: Likely benign. Last evaluated: 2022-11-01. Review status: criteria provided, single submitter. Criteria: CeGaT Center For Human Genetics Tuebingen Variant Classification Criteria Version 2. Collection method: clinical testing. Allele origin: germline. Affected: yes. Observed: 1 variant allele.
Comment: SRPX2: BP4, BS2

Mendelics
Classification: Likely benign for Rolandic epilepsy, impaired intellectual development, and speech dyspraxia, X-linked. Last evaluated: 2019-05-28. Review status: criteria provided, single submitter. Criteria: Mendelics Assertion Criteria 2017. Collection method: clinical testing. Allele origin: unknown.

Eurofins Ntd Llc (ga)
Classification: Likely benign. Last evaluated: 2016-11-21. Review status: criteria provided, single submitter. Criteria: EGL Classification Definitions 2015. Collection method: clinical testing. Allele origin: germline. Observed: 1 variant allele, 1 hemizygote.

GeneDx
Classification: Likely benign. Last evaluated: 2015-08-07. Review status: criteria provided, single submitter. Criteria: GeneDx Variant Classification (06012015). Collection method: clinical testing. Allele origin: germline. Affected: yes.
Comment: This variant is considered likely benign or benign based on one or more of the following criteria: it is a conservative change, it occurs at a poorly conserved position in the protein, it is predicted to be benign by multiple in silico algorithms, and/or has population frequency not consistent with disease.

Breakthrough Genomics
Classification: Likely benign. Review status: criteria provided, single submitter. Criteria: ACMG Guidelines, 2015. Collection method: not provided. Allele origin: germline. Inheritance: Unknown mechanism. Affected: yes.

Clinical Genetics DNA and cytogenetics Diagnostics Lab, Erasmus MC, Erasmus Medical Center
Classification: Likely benign. Review status: no assertion criteria provided. Collection method: clinical testing. Allele origin: germline. Affected: yes. Study: VKGL Data-share Consensus. Not counted in ClinVar's aggregate classification.

Genome Diagnostics Laboratory, University Medical Center Utrecht
Classification: Likely benign. Review status: no assertion criteria provided. Collection method: clinical testing. Allele origin: germline. Affected: yes. Study: VKGL Data-share Consensus. Not counted in ClinVar's aggregate classification.

NM_014467.3(SRPX2):c.449C>T (p.Ser150Phe)

Gene: SRPX2 (sushi repeat containing protein X-linked 2; plus strand). Cytogenetic location: Xq22.1.
Variant type: single nucleotide variant.
Coding change: c.449C>T on transcript NM_014467.3 (MANE Select); coding-DNA position 449, C replaced by T.
Protein change: p.Ser150Phe; replaces serine 150 with phenylalanine.
Molecular consequence: missense variant.
Genome position (GRCh38, 1-based): chrX:100,664,867, C>T. VCF-style: chrX-100664867-C-T. GRCh37 (hg19) VCF-style: chrX-99919864-C-T.
Other names: short protein forms S150F.
Identifiers: ClinVar variation 380310 (VCV000380310.43), dbSNP rs373847965, ClinGen allele CA10469489.
Genomic context (GRCh38, chrX:100,664,867, plus strand): 5'-GTGGCACTTACACCTGCACAAATGGAGTGCTTCTTGACTCTCGCTGTGACTACAGCTGTT[C>T]CAGTGGCTACCACCTGGAAGGTGATCGCAGCCGAATCTGCATGGAAGATGGGAGATGGAG-3'
Protein context (NP_055282.1, residues 140-160): LLDSRCDYSC[Ser150Phe]SGYHLEGDRS